The following is an entry in ClinVar:

ClinVar aggregate classification (germline): Likely benign. Review status: criteria provided, multiple submitters, no conflicts (2 of 4 stars). 3 submissions from 3 submitters: Likely benign (2). 1 of the submissions does not count toward it. Last evaluated 2024-03-16.

Conditions:
SLC22A4-related disorder. Also called: SLC22A4-related condition.

Allele frequency attached by ClinVar (database versions not stated): gnomAD 0.00001; TOPMed 0.00003; ExAC 0.00020; gnomAD exomes 0.00020.
gnomAD v4.1: 52 of 1,614,082 alleles (0.0032%); highest among the groups gnomAD compares: Admixed American, 0.087%; no homozygotes.

Submissions (3):

Labcorp Genetics (formerly Invitae), Labcorp
Classification: Likely benign. Last evaluated: 2024-03-16. Review status: criteria provided, single submitter. Criteria: Invitae Variant Classification Sherloc (09022015). Collection method: clinical testing. Allele origin: germline.

Blueprint Genetics
Classification: Likely benign. Last evaluated: 2021-06-23. Review status: criteria provided, single submitter. Criteria: ACMG Guidelines, 2015. Collection method: clinical testing. Allele origin: germline.

PreventionGenetics, part of Exact Sciences
Classification: Likely benign for SLC22A4-related condition. Last evaluated: 2024-08-06. Review status: no assertion criteria provided. Collection method: clinical testing. Allele origin: germline. Not counted in ClinVar's aggregate classification.
Comment: This variant is classified as likely benign based on ACMG/AMP sequence variant interpretation guidelines (Richards et al. 2015 PMID: 25741868, with internal and published modifications).

NM_003059.3(SLC22A4):c.78C>T (p.Ser26=)

Gene: SLC22A4 (solute carrier family 22 member 4; plus strand). Cytogenetic location: 5q31.1.
Variant type: single nucleotide variant.
Coding change: c.78C>T on transcript NM_003059.3 (MANE Select); coding-DNA position 78, C replaced by T.
Protein change: p.Ser26=; no amino-acid change (serine 26 retained).
Molecular consequence: synonymous variant.
Genome position (GRCh38, 1-based): chr5:132,294,694, C>T. VCF-style: chr5-132294694-C-T. GRCh37 (hg19) VCF-style: chr5-131630387-C-T.
Other names: c.78C>T (NM_003059.2).
Identifiers: ClinVar variation 1568448 (VCV001568448.11), dbSNP rs747086200, ClinGen allele CA3403298.